The following is an entry in ClinVar:

NM_018474.6(KIZ):c.1353-2A>C

Genes: KIZ (kizuna centrosomal protein; plus strand), KIZ-AS1 (KIZ antisense RNA 1; minus strand). Cytogenetic location: 20p11.23.
Variant type: single nucleotide variant.
Coding change: c.1353-2A>C on transcript NM_018474.6 (MANE Select); the canonical splice acceptor site of the intron before coding-DNA position 1353, A replaced by C.
Molecular consequence: splice acceptor variant.
Genome position (GRCh38, 1-based): chr20:21,205,489, A>C. VCF-style: chr20-21205489-A-C. GRCh37 (hg19) VCF-style: chr20-21186128-A-C.
Other names: c.1206-2A>C (NM_001276389.2); c.1011-2A>C (NM_001352436.2); c.1353-2A>C (NM_001352434.2); c.1044-2A>C (NM_001163022.3, NM_001352435.2); c.954-2A>C (NM_001163023.3).
Identifiers: ClinVar variation 1524469 (VCV001524469.9), dbSNP rs750460795, ClinGen allele CA9784842.

ClinVar aggregate classification (germline): Likely pathogenic (1 of 4 stars; one submission).

Allele frequency attached by ClinVar (database versions not stated): gnomAD exomes below 0.00001 and 0.00001; TOPMed below 0.00001; ExAC 0.00007.
gnomAD v4.1: 3 of 1,400,958 alleles (0.00021%); highest among the groups gnomAD compares: Non-Finnish European, 0.0003%; no homozygotes.

Submissions (2):

Labcorp Genetics (formerly Invitae), Labcorp
Classification: Likely pathogenic. Last evaluated: 2025-12-20. Review status: criteria provided, single submitter. Criteria: Invitae Variant Classification Sherloc (09022015). Collection method: clinical testing. Allele origin: germline.
Comment: This sequence change affects an acceptor splice site in intron 6 of the KIZ gene. It is expected to disrupt RNA splicing. Variants that disrupt the donor or acceptor splice site typically lead to a loss of protein function (PMID: 16199547), and loss-of-function variants in KIZ are known to be pathogenic (PMID: 24680887, 29057815). This variant is present in population databases (rs750460795, gnomAD 0.004%). This variant has not been reported in the literature in individuals affected with KIZ-related conditions. ClinVar contains an entry for this variant (Variation ID: 1524469). Algorithms developed to predict the effect of sequence changes on RNA splicing suggest that this variant may disrupt the consensus splice site. In summary, the currently available evidence indicates that the variant is pathogenic, but additional data are needed to prove that conclusively. Therefore, this variant has been classified as Likely Pathogenic.

Dr. Peter K. Rogan Lab, Western University
No classification provided (evidence only). Condition: Lung cancer. Review status: no classification provided. Collection method: in vitro. Allele origin: not applicable. Functional consequence: skipped exon. Not counted in ClinVar's aggregate classification.

Literature cited by the submitters: PubMed 16199547 (cited by Labcorp Genetics (formerly Invitae), Labcorp); PubMed 24680887 (cited by Labcorp Genetics (formerly Invitae), Labcorp); PubMed 29057815 (cited by Labcorp Genetics (formerly Invitae), Labcorp).